The following is an entry in ClinVar:

NM_213599.3(ANO5):c.1376A>G (p.Tyr459Cys)

Gene: ANO5 (anoctamin 5; plus strand). Cytogenetic location: 11p14.3.
Variant type: single nucleotide variant.
Coding change: c.1376A>G on transcript NM_213599.3 (MANE Select); coding-DNA position 1376, A replaced by G.
Protein change: p.Tyr459Cys; replaces tyrosine 459 with cysteine.
Molecular consequence: missense variant.
Genome position (GRCh38, 1-based): chr11:22,257,723, A>G. VCF-style: chr11-22257723-A-G. GRCh37 (hg19) VCF-style: chr11-22279269-A-G.
Other names: c.1373A>G, p.Tyr458Cys (NM_001142649.2); c.1334A>G, p.Tyr445Cys (NM_001410963.1); c.1331A>G, p.Tyr444Cys (NM_001410964.1); short protein forms Y445C, Y444C, Y458C, Y459C.
Identifiers: ClinVar variation 2937382 (VCV002937382.4), dbSNP rs1339858740, ClinGen allele CA379921805.
Genomic context (GRCh38, chr11:22,257,723, plus strand): 5'-TTTCTTCAATATTACAGGAGATGGAACCTTACATGCCTCTATACACGCGTATTCCATGGT[A>G]CTTTCTTTCAGGAGCCACAGTGACATTATGGGTGAGCATTTCTTTAAAAATTGCTATAAT-3'
Protein context (NP_998764.1, residues 449-469): YMPLYTRIPW[Tyr459Cys]FLSGATVTLW

ClinVar aggregate classification (germline): Uncertain significance. Review status: criteria provided, multiple submitters, no conflicts (2 of 4 stars). 2 submissions from 2 submitters: Uncertain significance (2). Last evaluated 2025-04-20.

Conditions:
Gnathodiaphyseal dysplasia (GDD). Also called: GNATHODIAPHYSEAL SCLEROSIS; OSTEOGENESIS IMPERFECTA WITH UNUSUAL SKELETAL LESIONS. Identifiers: Orphanet 53697, MedGen C1833736, MONDO:0008151, OMIM 166260.
Autosomal recessive limb-girdle muscular dystrophy type 2L (LGMDR12). Also called: Limb-girdle muscular dystrophy, type 2L; MUSCULAR DYSTROPHY, LIMB-GIRDLE, AUTOSOMAL RECESSIVE 12; Limb-Girdle Muscular Dystrophy R12 Anoctamin-5-Related (LGMD-R12). Identifiers: Orphanet 206549, MedGen C1969785, MONDO:0012652, OMIM 611307.
Inborn genetic diseases. Identifiers: MedGen C0950123, MeSH D030342.

gnomAD v4.1: 1 of 1,612,782 alleles (0.000062%); highest among the groups gnomAD compares: East Asian, 0.0022%; no homozygotes.

Submissions (2):

Ambry Genetics
Classification: Uncertain significance for Inborn genetic diseases. Last evaluated: 2025-04-20. Review status: criteria provided, single submitter. Criteria: Ambry Variant Classification Scheme 2023. Collection method: clinical testing. Allele origin: germline.

Labcorp Genetics (formerly Invitae), Labcorp
Classification: Uncertain significance for Autosomal recessive limb-girdle muscular dystrophy type 2L; Gnathodiaphyseal dysplasia. Last evaluated: 2023-10-30. Review status: criteria provided, single submitter. Criteria: Invitae Variant Classification Sherloc (09022015). Collection method: clinical testing. Allele origin: germline.
Comment: This sequence change replaces tyrosine, which is neutral and polar, with cysteine, which is neutral and slightly polar, at codon 459 of the ANO5 protein (p.Tyr459Cys). This variant is not present in population databases (gnomAD no frequency). This variant has not been reported in the literature in individuals affected with ANO5-related conditions. Advanced modeling of protein sequence and biophysical properties (such as structural, functional, and spatial information, amino acid conservation, physicochemical variation, residue mobility, and thermodynamic stability) has been performed at Invitae for this missense variant, however the output from this modeling did not meet the statistical confidence thresholds required to predict the impact of this variant on ANO5 protein function. In summary, the available evidence is currently insufficient to determine the role of this variant in disease. Therefore, it has been classified as a Variant of Uncertain Significance.